The following is an entry in ClinVar:

ClinVar aggregate classification (germline): Conflicting classifications of pathogenicity. Review status: criteria provided, conflicting classifications (1 of 4 stars). 3 submissions from 3 submitters: Uncertain significance (2); Likely benign (1). Last evaluated 2024-10-04.

Allele frequency attached by ClinVar (database versions not stated): gnomAD exomes 0.00004 and 0.00009; ExAC 0.00015; ESP Exome Variant Server 0.00016; gnomAD 0.00023 and 0.00025; TOPMed 0.00028; 1000 Genomes Project 0.00040; 1000 Genomes Project 30x 0.00047.
gnomAD v4.1: 94 of 1,599,348 alleles (0.0059%); highest among the groups gnomAD compares: African/African-American, 0.1%; no homozygotes.

Submissions (3):

Blueprint Genetics
Classification: Likely benign. Last evaluated: 2024-10-04. Review status: criteria provided, single submitter. Criteria: ACMG Guidelines, 2015. Collection method: clinical testing. Allele origin: germline.

Labcorp Genetics (formerly Invitae), Labcorp
Classification: Uncertain significance. Last evaluated: 2022-03-30. Review status: criteria provided, single submitter. Criteria: Invitae Variant Classification Sherloc (09022015). Collection method: clinical testing. Allele origin: germline.
Comment: This sequence change falls in intron 3 of the FRAS1 gene. It does not directly change the encoded amino acid sequence of the FRAS1 protein. It affects a nucleotide within the consensus splice site. This variant is present in population databases (rs150498567, gnomAD 0.1%). This variant has not been reported in the literature in individuals affected with FRAS1-related conditions. ClinVar contains an entry for this variant (Variation ID: 286361). Variants that disrupt the consensus splice site are a relatively common cause of aberrant splicing (PMID: 17576681, 9536098). Algorithms developed to predict the effect of sequence changes on RNA splicing suggest that this variant is not likely to affect RNA splicing. In summary, the available evidence is currently insufficient to determine the role of this variant in disease. Therefore, it has been classified as a Variant of Uncertain Significance.

Eurofins Ntd Llc (ga)
Classification: Uncertain significance. Last evaluated: 2016-03-30. Review status: criteria provided, single submitter. Criteria: EGL Classification Definitions 2015. Collection method: clinical testing. Allele origin: germline. Observed: 1 variant allele, 1 heterozygote.

Literature cited by the submitters: PubMed 17576681 (cited by Labcorp Genetics (formerly Invitae), Labcorp); PubMed 9536098 (cited by Labcorp Genetics (formerly Invitae), Labcorp).

NM_025074.7(FRAS1):c.217-3C>T

Gene: FRAS1 (Fraser extracellular matrix complex subunit 1; plus strand). Cytogenetic location: 4q21.21.
Variant type: single nucleotide variant.
Coding change: c.217-3C>T on transcript NM_025074.7 (MANE Select); 3 bases into the intron before coding-DNA position 217, C replaced by T.
Molecular consequence: intron variant.
Genome position (GRCh38, 1-based): chr4:78,245,230, C>T. VCF-style: chr4-78245230-C-T. GRCh37 (hg19) VCF-style: chr4-79166384-C-T.
Other names: c.217-3C>T (NM_001166133.2).
Identifiers: ClinVar variation 286361 (VCV000286361.8), dbSNP rs150498567, ClinGen allele CA2975876.